The following is an entry in ClinVar:

NM_198578.4(LRRK2):c.4518C>T (p.Asn1506=)

Gene: LRRK2 (leucine rich repeat kinase 2; plus strand). Cytogenetic location: 12q12.
Variant type: single nucleotide variant.
Coding change: c.4518C>T on transcript NM_198578.4 (MANE Select); coding-DNA position 4518, C replaced by T.
Protein change: p.Asn1506=; no amino-acid change (asparagine 1506 retained).
Molecular consequence: synonymous variant.
Genome position (GRCh38, 1-based): chr12:40,310,631, C>T. VCF-style: chr12-40310631-C-T. GRCh37 (hg19) VCF-style: chr12-40704433-C-T.
Identifiers: ClinVar variation 1741171 (VCV001741171.13), dbSNP rs202109311, ClinGen allele CA6514189.

ClinVar aggregate classification (germline): Likely benign. Review status: criteria provided, multiple submitters, no conflicts (2 of 4 stars). 3 submissions from 3 submitters: Likely benign (3). Last evaluated 2026-01-25.

Conditions:
Autosomal dominant Parkinson disease 8. Also called: LRRK2-Related Parkinson Disease; Parkinson disease 8; Parkinson disease 8, susceptibility to. Identifiers: Orphanet 411602, MedGen C1846862, MONDO:0011764, OMIM 607060.
Inborn genetic diseases. Identifiers: MedGen C0950123, MeSH D030342.

Allele frequency attached by ClinVar (database versions not stated): gnomAD exomes 0.00001; ExAC 0.00002; gnomAD 0.00002.
gnomAD v4.1: 17 of 1,612,462 alleles (0.0011%); highest among the groups gnomAD compares: African/African-American, 0.004%; no homozygotes.

Submissions (3):

Labcorp Genetics (formerly Invitae), Labcorp
Classification: Likely benign for Autosomal dominant Parkinson disease 8. Last evaluated: 2026-01-25. Review status: criteria provided, single submitter. Criteria: Invitae Variant Classification Sherloc (09022015). Collection method: clinical testing. Allele origin: germline.

CeGaT Center for Human Genetics Tuebingen
Classification: Likely benign. Last evaluated: 2025-06-01. Review status: criteria provided, single submitter. Criteria: CeGaT Center For Human Genetics Tuebingen Variant Classification Criteria Version 2. Collection method: clinical testing. Allele origin: germline. Affected: yes. Observed: 1 variant allele.
Comment: LRRK2: BP4, BP7

Ambry Genetics
Classification: Likely benign for Inborn genetic diseases. Last evaluated: 2022-02-12. Review status: criteria provided, single submitter. Criteria: Ambry Variant Classification Scheme 2023. Collection method: clinical testing. Allele origin: germline.